The following is an entry in ClinVar:

ClinVar aggregate classification (germline): Uncertain significance (1 of 4 stars; one submission).

Conditions:
Cardiovascular phenotype. Identifiers: MedGen CN230736.

gnomAD v4.1: 3 of 1,537,674 alleles (0.0002%); highest among the groups gnomAD compares: Non-Finnish European, 0.00026%; no homozygotes.

Submission:

Ambry Genetics
Classification: Uncertain significance for Cardiovascular phenotype. Last evaluated: 2021-06-23. Review status: criteria provided, single submitter. Criteria: Ambry Variant Classification Scheme 2023. Collection method: clinical testing. Allele origin: germline.
Comment: The p.R3167L variant (also known as c.9500G>T), located in coding exon 2 of the ZNF469 gene, results from a G to T substitution at nucleotide position 9500. The arginine at codon 3167 is replaced by leucine, an amino acid with dissimilar properties. This amino acid position is conserved. In addition, this alteration is predicted to be tolerated by in silico analysis. Since supporting evidence is limited at this time, the clinical significance of this alteration remains unclear.

NM_001367624.2(ZNF469):c.9584G>T (p.Arg3195Leu)

Gene: ZNF469 (zinc finger protein 469; plus strand). Cytogenetic location: 16q24.2.
Variant type: single nucleotide variant.
Coding change: c.9584G>T on transcript NM_001367624.2 (MANE Select); coding-DNA position 9584, G replaced by T.
Protein change: p.Arg3195Leu; replaces arginine 3195 with leucine.
Molecular consequence: missense variant.
Genome position (GRCh38, 1-based): chr16:88,437,054, G>T. VCF-style: chr16-88437054-G-T. GRCh37 (hg19) VCF-style: chr16-88503462-G-T.
Other names: NM_001127464.1:c.9500G>T; short protein forms R3195L.
Identifiers: ClinVar variation 1767191 (VCV001767191.2), dbSNP rs998090120, ClinGen allele CA397124286.